The following is an entry in ClinVar:

NM_001367624.2(ZNF469):c.10040C>A (p.Pro3347His)

Genes: ZNF469 (zinc finger protein 469; plus strand), LOC130059719 (ATAC-STARR-seq lymphoblastoid silent region 7848; plus strand). Cytogenetic location: 16q24.2.
Variant type: single nucleotide variant.
Coding change: c.10040C>A on transcript NM_001367624.2 (MANE Select); coding-DNA position 10040, C replaced by A.
Protein change: p.Pro3347His; replaces proline 3347 with histidine.
Molecular consequence: missense variant.
Genome position (GRCh38, 1-based): chr16:88,437,510, C>A. VCF-style: chr16-88437510-C-A. GRCh37 (hg19) VCF-style: chr16-88503918-C-A.
Other names: NM_001127464.1:c.9956C>A; short protein forms P3347H.
Identifiers: ClinVar variation 1768717 (VCV001768717.2), dbSNP rs1906678201, ClinGen allele CA397125504.
Genomic context (GRCh38, chr16:88,437,510, plus strand): 5'-CGGTGCACGAGGCCTGCAAGGACCCCTCCCGCGACTGCCACCACTGCGGGAAGCGCTTCC[C>A]CAAGCCCTTCAAGCTGCAGCGCCACCTGGCGGTGCACAGCCCGCAGCGCGTCTACCTGTG-3'
Protein context (NP_001354553.1, residues 3337-3357): RDCHHCGKRF[Pro3347His]KPFKLQRHLA

ClinVar aggregate classification (germline): Uncertain significance (1 of 4 stars; one submission).

Conditions:
Cardiovascular phenotype. Identifiers: MedGen CN230736.

Allele frequency attached by ClinVar (database versions not stated): gnomAD 0.00001; TOPMed 0.00001.

Submission:

Ambry Genetics
Classification: Uncertain significance for Cardiovascular phenotype. Last evaluated: 2022-04-23. Review status: criteria provided, single submitter. Criteria: Ambry Variant Classification Scheme 2023. Collection method: clinical testing. Allele origin: germline.
Comment: The p.P3319H variant (also known as c.9956C>A), located in coding exon 2 of the ZNF469 gene, results from a C to A substitution at nucleotide position 9956. The proline at codon 3319 is replaced by histidine, an amino acid with similar properties. This amino acid position is conserved. In addition, this alteration is predicted to be tolerated by in silico analysis. Since supporting evidence is limited at this time, the clinical significance of this alteration remains unclear.